The following is an entry in ClinVar:

NM_003872.3(NRP2):c.956C>A (p.Thr319Asn)

Gene: NRP2 (neuropilin 2; plus strand). Cytogenetic location: 2q33.3.
Variant type: single nucleotide variant.
Coding change: c.956C>A on transcript NM_003872.3 (MANE Select); coding-DNA position 956, C replaced by A.
Protein change: p.Thr319Asn; replaces threonine 319 with asparagine.
Molecular consequence: missense variant.
Genome position (GRCh38, 1-based): chr2:205,726,048, C>A. VCF-style: chr2-205726048-C-A. GRCh37 (hg19) VCF-style: chr2-206590772-C-A.
Other names: c.956C>A, p.Thr319Asn (NM_018534.4, NM_201264.2, NM_201266.2 and 2 more transcripts); short protein forms T319N.
Identifiers: ClinVar variation 4994942 (VCV004994942.1).

ClinVar aggregate classification (germline): Uncertain significance (1 of 4 stars; one submission).

Conditions:
NRP2-related disorder. Also called: NRP2-related condition.

Submission:

PreventionGenetics, part of Exact Sciences
Classification: Uncertain significance for NRP2-related condition. Last evaluated: 2026-09-01. Review status: criteria provided, single submitter. Criteria: ACMG Guidelines, 2015. Collection method: clinical testing. Allele origin: germline.
Comment: The NRP2 c.956C>A variant is predicted to result in the amino acid substitution p.Thr319Asn. To our knowledge, this variant has not been reported in the literature or in a large population database (gnomAD), indicating this variant is rare. At this time, the clinical significance of this variant is uncertain due to the absence of conclusive functional and genetic evidence.